The following is an entry in ClinVar:

ClinVar aggregate classification (germline): Uncertain significance. Review status: criteria provided, multiple submitters, no conflicts (2 of 4 stars). 2 submissions from 2 submitters: Uncertain significance (2). Last evaluated 2026-01-26.

Conditions:
Hypertrophic cardiomyopathy 4. Also called: Familial hypertrophic cardiomyopathy 4. Identifiers: MedGen C1861862, MONDO:0007268, OMIM 115197.
Hypertrophic cardiomyopathy. Also called: HYPERTROPHIC MYOCARDIOPATHY. Identifiers: Orphanet 217569, MedGen C0007194, MeSH D002312, MONDO:0005045, HP:0001639.

Submissions (2):

Labcorp Genetics (formerly Invitae), Labcorp
Classification: Uncertain significance for Hypertrophic cardiomyopathy. Last evaluated: 2026-01-26. Review status: criteria provided, single submitter. Criteria: Invitae Variant Classification Sherloc (09022015). Collection method: clinical testing. Allele origin: germline.
Comment: This sequence change affects codon 415 of the MYBPC3 mRNA. It is a 'silent' change, meaning that it does not change the encoded amino acid sequence of the MYBPC3 protein. This variant is not present in population databases (gnomAD no frequency). This variant has not been reported in the literature in individuals affected with MYBPC3-related conditions. ClinVar contains an entry for this variant (Variation ID: 3776284). Algorithms developed to predict the effect of sequence changes on RNA splicing suggest that this variant may disrupt the consensus splice site. In summary, the available evidence is currently insufficient to determine the role of this variant in disease. Therefore, it has been classified as a Variant of Uncertain Significance.

3billion
Classification: Uncertain significance for Hypertrophic cardiomyopathy 4. Last evaluated: 2025-08-20. Review status: criteria provided, single submitter. Criteria: ACMG Guidelines, 2015. Collection method: clinical testing. Allele origin: germline. Affected: yes.
Comment: The variant is not observed in the gnomAD v4.1.0 dataset. Predicted Consequence/Location: Synonymous variant In silico tools predict the variant to alter splicing and produce an abnormal transcript [SpliceAI: 0.92 (>=0.2, moderate evidence for spliceogenicity)]. The variant has been reported as of uncertain significance (ClinVar ID: VCV003776284; 3billion dataset). Therefore, this variant is classified as VUS according to the recommendation of ACMG/AMP guideline.

NM_000256.3(MYBPC3):c.1245C>A (p.Ile415=)

Gene: MYBPC3 (myosin binding protein C3; minus strand). Cytogenetic location: 11p11.2.
Variant type: single nucleotide variant.
Coding change: c.1245C>A on transcript NM_000256.3 (MANE Select); coding-DNA position 1245, C replaced by A.
Protein change: p.Ile415=; no amino-acid change (isoleucine 415 retained).
Molecular consequence: synonymous variant.
Genome position (GRCh38, 1-based): chr11:47,343,127, G>T on the plus strand (C>A on the coding strand, the complement: MYBPC3 is on the minus strand). VCF-style: chr11-47343127-G-T. GRCh37 (hg19) VCF-style: chr11-47364678-G-T.
Identifiers: ClinVar variation 3776284 (VCV003776284.4).